The following is an entry in ClinVar:

ClinVar aggregate classification (germline): Pathogenic (1 of 4 stars; one submission).

Conditions:
Hereditary spastic paraplegia 4. Also called: Spastic paraplegia 4, autosomal dominant; Familial spastic paraplegia autosomal dominant 2; Spastic Paraplegia 4. Identifiers: Orphanet 100985, MedGen C1866855, MONDO:0008438, OMIM 182601.

Submission:

Laboratory of Medical Genetics, National & Kapodistrian University of Athens
Classification: Pathogenic for Hereditary spastic paraplegia 4. Last evaluated: 2021-10-01. Review status: criteria provided, single submitter. Criteria: ACMG Guidelines, 2015. Collection method: clinical testing. Allele origin: unknown. Affected: yes.
Comment: PVS1, PM2, PP3

Literature cited by the submitters: PubMed 34008892.

NM_014946.4(SPAST):c.1781del (p.Arg594fs)

Gene: SPAST (spastin; plus strand). Cytogenetic location: 2p22.3.
Variant type: Deletion.
Coding change: c.1781del on transcript NM_014946.4 (MANE Select); coding-DNA position 1781, one base deleted (G; older notation c.1781delG).
Protein change: p.Arg594fs; shifts the reading frame from arginine 594.
Molecular consequence: frameshift variant. On other transcripts: 3 prime UTR variant (1).
Genome position (GRCh38, 1-based): chr2:32,154,426, G deleted. VCF-style (leftmost placement, unchanged base first): chr2-32154425-CG-C. GRCh37 (hg19) VCF-style: chr2-32379494-CG-C.
Other names: c.1781delG (NM_014946.4); c.1778del, p.Arg593fs (NM_001363823.2); c.1682del, p.Arg561fs (NM_001363875.2); c.*54del (NM_001377959.1); c.1685del, p.Arg562fs (NM_199436.2); short protein forms R561fs, R562fs, R593fs, R594fs.
Identifiers: ClinVar variation 1299518 (VCV001299518.1), dbSNP rs2148769324, ClinGen allele CA2499215894.